The following is an entry in ClinVar:

ClinVar aggregate classification (germline): Uncertain significance (0 of 4 stars; one submission).

Conditions:
SLC26A2-related disorder. Also called: SLC26A2-related condition; SLC26A2-related disorders. Identifiers: MedGen CN239404.

Submission:

PreventionGenetics, part of Exact Sciences
Classification: Uncertain significance for SLC26A2-related condition. Last evaluated: 2024-06-03. Review status: no assertion criteria provided. Collection method: clinical testing. Allele origin: germline.
Comment: The SLC26A2 c.1924G>C variant is predicted to result in the amino acid substitution p.Asp642His. To our knowledge, this variant has not been reported in the literature or in a large population database, indicating this variant is rare. At this time, the clinical significance of this variant is uncertain due to the absence of conclusive functional and genetic evidence.

NM_000112.4(SLC26A2):c.1924G>C (p.Asp642His)

Gene: SLC26A2 (solute carrier family 26 member 2; plus strand). Cytogenetic location: 5q32.
Variant type: single nucleotide variant.
Coding change: c.1924G>C on transcript NM_000112.4 (MANE Select); coding-DNA position 1924, G replaced by C.
Protein change: p.Asp642His; replaces aspartic acid 642 with histidine.
Molecular consequence: missense variant.
Genome position (GRCh38, 1-based): chr5:149,981,517, G>C. VCF-style: chr5-149981517-G-C. GRCh37 (hg19) VCF-style: chr5-149361080-G-C.
Other names: short protein forms D642H.
Identifiers: ClinVar variation 3349092 (VCV003349092.1).